The following is an entry in ClinVar:

ClinVar aggregate classification (germline): Conflicting classifications of pathogenicity. Review status: criteria provided, conflicting classifications (1 of 4 stars). 21 submissions from 21 submitters: Uncertain significance (11); Benign (1); Likely benign (7). 2 of the submissions do not count toward it. Last evaluated 2026-07-01.

Conditions:
Hereditary nonpolyposis colorectal neoplasms. Identifiers: MedGen C0009405, MeSH D003123.
MSH6-related disorder. Also called: MSH6-related condition; MSH6-Related disorders.
Hereditary cancer-predisposing syndrome. Also called: Neoplastic Syndromes, Hereditary; Hereditary Cancer Syndrome; Tumor predisposition; Hereditary neoplastic syndrome. Identifiers: Orphanet 140162, MedGen C0027672, MeSH D009386, MONDO:0015356.
Lynch syndrome. Identifiers: Orphanet 144, MedGen C4552100, MONDO:0005835. Disease mechanism: loss of function.
Lynch syndrome 5 (LYNCH5). Also called: Hereditary non-polyposis colorectal cancer, type 5; Colorectal cancer, hereditary nonpolyposis, type 5. Identifiers: Orphanet 144, MedGen C1833477, MONDO:0013710, OMIM 614350. Disease mechanism: loss of function.
Mismatch repair cancer syndrome 1 (MMRCS1). Also called: MISMATCH REPAIR DEFICIENCY; MMR DEFICIENCY; BRAIN TUMOR-POLYPOSIS SYNDROME 1; BTP1 SYNDROME; CHILDHOOD CANCER SYNDROME. Identifiers: Orphanet 252202, MedGen C5399763, MONDO:0010159, OMIM 276300. Disease mechanism: loss of function.

Allele frequency attached by ClinVar (database versions not stated): TOPMed 0.00010; ESP Exome Variant Server 0.00015.
gnomAD v4.1: 187 of 1,614,028 alleles (0.012%); highest among the groups gnomAD compares: Admixed American, 0.045%; no homozygotes.

Submissions 1 to 10 of 21:

CeGaT Center for Human Genetics Tuebingen
Classification: Likely benign. Last evaluated: 2026-07-01. Review status: criteria provided, single submitter. Criteria: CeGaT Center For Human Genetics Tuebingen Variant Classification Criteria Version 2. Collection method: clinical testing. Allele origin: germline. Affected: yes. Observed: 2 variant alleles.
Comment: MSH6: BP1, BS1

Labcorp Genetics (formerly Invitae), Labcorp
Classification: Likely benign for Hereditary nonpolyposis colorectal neoplasms. Last evaluated: 2026-02-02. Review status: criteria provided, single submitter. Criteria: Invitae Variant Classification Sherloc (09022015). Collection method: clinical testing. Allele origin: germline.

Dasa
Classification: Uncertain significance. Last evaluated: 2025-12-19. Review status: criteria provided, single submitter. Criteria: DASA Assertion Criteria. Collection method: clinical testing. Allele origin: germline.
Comment: NM_000179.3(MSH6):c.3260C>A (p.Pro1087His) is a missense variant that results in the substitution of proline with histidine. This classification is supported by population frequency inconsistent with a disease-causing role. Computational prediction algorithms are consistent with a deleterious effect. The currently available literature and clinical evidence are not sufficient to establish a definitive association between this variant and the reported condition. Therefore, this variant is classified as a variant of uncertain significance.

Color Diagnostics, LLC DBA Color Health
Classification: Uncertain significance for Hereditary cancer-predisposing syndrome. Last evaluated: 2025-11-11. Review status: criteria provided, single submitter. Criteria: ACMG Guidelines, 2015. Collection method: clinical testing. Allele origin: germline.
Comment: This missense variant replaces proline with histidine at codon 1087 of the MSH6 protein. Computational prediction suggests that this variant may have deleterious impact on protein structure and function. To our knowledge, functional studies have not been reported for this variant. This variant has been reported in individuals affected with endometrial and colorectal cancer (PMID:27398995, 30072391). This variant has been identified in 187/1614028 chromosomes in the general population by the Genome Aggregation Database (gnomAD). The available evidence is insufficient to determine the role of this variant in disease conclusively. Therefore, this variant is classified as a Variant of Uncertain Significance.

Quest Diagnostics Nichols Institute San Juan Capistrano
Classification: Uncertain significance. Last evaluated: 2025-06-26. Review status: criteria provided, single submitter. Criteria: Quest Diagnostics criteria. Collection method: clinical testing. Allele origin: unknown.
Comment: The MSH6 c.3260C>A (p.Pro1087His) variant has been reported in the published literature in individuals with breast cancer (PMID: 26689913 (2015), 32068069 (2020), 32658311 (2021), 33471991 (2021), see also LOVD), colorectal cancer (PMIDs: 30072391 (2018), 35904628 (2022)), gastric cancer (PMID: 26689913 (2015)), endometrial cancer (PMID: 27398995 (2016)), ovarian cancer (PMID: 38509102 (2024)), and in reportedly unaffected individuals (PMID: 36243179 (2022), 33471991 (2021), see also LOVD). The frequency of this variant in the general population (Genome Aggregation Database) is higher than would generally be expected for pathogenic variants in this gene. Analysis of this variant using bioinformatics tools for the prediction of the effect of amino acid changes on protein structure and function yielded predictions that this variant is damaging. Based on the available information, we are unable to determine the clinical significance of this variant.

Women's Health and Genetics/Laboratory Corporation of America, LabCorp
Classification: Likely benign. Last evaluated: 2025-06-23. Review status: criteria provided, single submitter. Criteria: LabCorp Variant Classification Summary - May 2015. Collection method: clinical testing. Allele origin: germline.
Comment: Variant summary: MSH6 c.3260C>A (p.Pro1087His) results in a non-conservative amino acid change located in the DNA mismatch repair protein MutS, core (IPR007696) of the encoded protein sequence. Algorithms developed to predict the effect of missense changes on protein structure and function all suggest that this variant is likely to be disruptive. The variant allele was found at a frequency of 0.00012 in 327960 control chromosomes, predominantly at a frequency of 0.00052 within the Latino subpopulation in the gnomAD database. The observed variant frequency within Latino control individuals in the gnomAD database is approximately 4 fold of the estimated maximal expected allele frequency for a pathogenic variant in MSH6 causing Hereditary Nonpolyposis Colorectal Cancer phenotype (0.00014). c.3260C>A has been reported in individuals affected with breast cancer, ovarian cancer, endometrial cancer, biliary tract cancer, and colorectal cancer (example, Lu_2015, Kanchi_2014, Rubio_2016, Patel_2018, Kwong_2020, Ackay_2021, Djursby_2022, Okawa_2023). These report(s) do not provide unequivocal conclusions about association of the variant with Hereditary Nonpolyposis Colorectal Cancer. To our knowledge, no experimental evidence demonstrating an impact on protein function has been reported. The following publications have been ascertained in the context of this evaluation (PMID: 32658311, 24728327, 35904628, 24448499, 32068069, 26689913, 36243179, 30072391, 27398995, 23621914). ClinVar contains an entry for this variant (Variation ID: 127584). Based on the evidence outlined above, the variant was classified as likely benign.

PreventionGenetics, part of Exact Sciences
Classification: Likely benign for MSH6-related condition. Last evaluated: 2025-05-16. Review status: criteria provided, single submitter. Criteria: ACMG Guidelines, 2015. Collection method: clinical testing. Allele origin: germline.
Comment: This variant is classified as likely benign based on ACMG/AMP sequence variant interpretation guidelines (Richards et al. 2015 PMID: 25741868, with internal and published modifications).

Center for Genomic Medicine, Rigshospitalet, Copenhagen University Hospital
Classification: Uncertain significance. Last evaluated: 2025-03-04. Review status: criteria provided, single submitter. Criteria: ACMG Guidelines, 2015. Collection method: clinical testing. Allele origin: germline.

Myriad Genetics, Inc.
Classification: Benign for Lynch syndrome 5. Last evaluated: 2025-01-06. Review status: criteria provided, single submitter. Criteria: Myriad Autosomal Dominant, Autosomal Recessive and X-Linked Classification Criteria (2023). Collection method: clinical testing. Allele origin: unknown.
Comment: This variant is considered benign. Homozygosity for this variant has been confirmed in one or more individuals lacking clinical features consistent with gene-specific recessive disease, indicating that this variant is unlikely to be pathogenic. This variant is strongly associated with less severe personal and family histories of cancer, typical for individuals without pathogenic variants in this gene [PMID: 27363726].

St. Jude Molecular Pathology, St. Jude Children's Research Hospital
Classification: Uncertain significance for Lynch syndrome 5. Last evaluated: 2024-12-18. Review status: criteria provided, single submitter. Criteria: St. Jude Assertion Criteria 2020. Collection method: clinical testing. Allele origin: germline.
Comment: The MSH6 c.3260C>A (p.Pro1087His) missense change has a maximum subpopulation frequency of 0.05% in gnomAD v2.1.1. The in silico tool REVEL predicts a deleterious effect on protein function, but to our knowledge this prediction has not been confirmed by functional studies. This variant has been reported in individuals with endometrial cancer and colorectal cancer (PMID: 27398995, 30072391). In summary, the evidence currently available is insufficient to determine the clinical significance of this variant. It has therefore been classified as of uncertain significance.

NM_000179.3(MSH6):c.3260C>A (p.Pro1087His)

Gene: MSH6 (mutS homolog 6; plus strand). Cytogenetic location: 2p16.3.
Variant type: single nucleotide variant.
Coding change: c.3260C>A on transcript NM_000179.3 (MANE Select); coding-DNA position 3260, C replaced by A.
Protein change: p.Pro1087His; replaces proline 1087 with histidine.
Molecular consequence: missense variant.
Genome position (GRCh38, 1-based): chr2:47,803,507, C>A. VCF-style: chr2-47803507-C-A. GRCh37 (hg19) VCF-style: chr2-48030646-C-A.
Other names: p.P1087H:CCC>CAC; c.2870C>A, p.Pro957His (NM_001281492.2); c.2354C>A, p.Pro785His (NM_001281493.2, NM_001281494.2); short protein forms P1087H, P785H, P957H.
Identifiers: ClinVar variation 127584 (VCV000127584.67), dbSNP rs63750753, ClinGen allele CA012253.